The following is an entry in ClinVar:

NM_001378964.1(CDON):c.1889C>T (p.Thr630Met)

Gene: CDON (cell adhesion associated, oncogene regulated; minus strand). Cytogenetic location: 11q24.2.
Variant type: single nucleotide variant.
Coding change: c.1889C>T on transcript NM_001378964.1 (MANE Select); coding-DNA position 1889, C replaced by T.
Protein change: p.Thr630Met; replaces threonine 630 with methionine.
Molecular consequence: missense variant.
Genome position (GRCh38, 1-based): chr11:126,004,039, G>A on the plus strand (C>T on the coding strand, the complement: CDON is on the minus strand). VCF-style: chr11-126004039-G-A. GRCh37 (hg19) VCF-style: chr11-125873934-G-A.
Other names: c.1889C>T, p.Thr630Met (NM_001243597.3, NM_016952.6); short protein forms T630M.
Identifiers: ClinVar variation 303508 (VCV000303508.7), dbSNP rs559379897, ClinGen allele CA6351905.

ClinVar aggregate classification (germline): Likely benign. Review status: criteria provided, multiple submitters, no conflicts (2 of 4 stars). 2 submissions from 2 submitters: Likely benign (2). Last evaluated 2023-09-12.

Conditions:
Inborn genetic diseases. Identifiers: MedGen C0950123, MeSH D030342.
Holoprosencephaly 11 (HPE11). Identifiers: Orphanet 2162, MedGen C3280215, MONDO:0013642, OMIM 614226.

Allele frequency attached by ClinVar (database versions not stated): gnomAD 0.00004 and 0.00003; TOPMed 0.00003; 1000 Genomes Project 30x 0.00016; gnomAD exomes 0.00005; ExAC 0.00007; 1000 Genomes Project 0.00020.
gnomAD v4.1: 48 of 1,613,956 alleles (0.003%); highest among the groups gnomAD compares: Middle Eastern, 0.017%; no homozygotes.

Submissions (2):

Ambry Genetics
Classification: Likely benign for Inborn genetic diseases. Last evaluated: 2023-09-12. Review status: criteria provided, single submitter. Criteria: Ambry Variant Classification Scheme 2023. Collection method: clinical testing. Allele origin: germline.

Illumina Laboratory Services, Illumina
Classification: Likely benign for Holoprosencephaly 11. Last evaluated: 2018-01-13. Review status: criteria provided, single submitter. Criteria: ICSL Variant Classification Criteria 13 December 2019. Collection method: clinical testing. Allele origin: germline.
Comment: This variant was observed in the ICSL laboratory as part of a predisposition screen in an ostensibly healthy population. It had not been previously curated by ICSL or reported in the Human Gene Mutation Database (HGMD: prior to June 1st, 2018), and was therefore a candidate for classification through an automated scoring system. Utilizing variant allele frequency, disease prevalence and penetrance estimates, and inheritance mode, an automated score was calculated to assess if this variant is too frequent to cause the disease. Based on the score and internal cut-off values, a variant classified as likely benign is not then subjected to further curation. The score for this variant resulted in a classification of likely benign for this disease.